The following is an entry in ClinVar:

NM_000059.4(BRCA2):c.6765A>T (p.Thr2255=)

Gene: BRCA2 (BRCA2 DNA repair associated; plus strand). Cytogenetic location: 13q13.1.
Variant type: single nucleotide variant.
Coding change: c.6765A>T on transcript NM_000059.4 (MANE Select); coding-DNA position 6765, A replaced by T.
Protein change: p.Thr2255=; no amino-acid change (threonine 2255 retained).
Molecular consequence: synonymous variant.
Genome position (GRCh38, 1-based): chr13:32,341,120, A>T. VCF-style: chr13-32341120-A-T. GRCh37 (hg19) VCF-style: chr13-32915257-A-T.
Identifiers: ClinVar variation 427480 (VCV000427480.5), dbSNP rs759293475, ClinGen allele CA6940980.

ClinVar aggregate classification (germline): Likely benign. Review status: reviewed by expert panel (3 of 4 stars). 2 submissions from 2 submitters: Likely benign (1). 1 of the submissions does not count toward it. Last evaluated 2017-06-29.

Conditions:
Hereditary cancer-predisposing syndrome. Also called: Hereditary neoplastic syndrome; Hereditary Cancer Syndrome; Neoplastic Syndromes, Hereditary; Tumor predisposition. Identifiers: Orphanet 140162, MedGen C0027672, MeSH D009386, MONDO:0015356.
Breast-ovarian cancer, familial, susceptibility to, 2 (BROVCA2). Also called: BRCA2 Hereditary Breast and Ovarian Cancer. Identifiers: Orphanet 145, MedGen C2675520, MONDO:0012933, OMIM 612555. Disease mechanism: loss of function.

Allele frequency attached by ClinVar (database versions not stated): gnomAD exomes below 0.00001; ExAC 0.00001.
gnomAD v4.1: 1 of 1,613,980 alleles (0.000062%); highest among the groups gnomAD compares: South Asian, 0.0011%; no homozygotes.

Submissions (2):

Evidence-based Network for the Interpretation of Germline Mutant Alleles (ENIGMA)
Classification: Likely benign for Breast-ovarian cancer, familial, susceptibility to, 2. Last evaluated: 2017-06-29. Review status: reviewed by expert panel. Criteria: ENIGMA BRCA1/2 Classification Criteria (2017-06-29). Collection method: curation. Allele origin: germline.
Comment: Synonymous substitution variant, with low bioinformatic likelihood to result in a splicing aberration (Splicing prior probability 0.02).

Color Diagnostics, LLC DBA Color Health
Classification: Likely benign for Hereditary cancer-predisposing syndrome. Last evaluated: 2019-02-04. Review status: criteria provided, single submitter. Criteria: ACMG Guidelines, 2015. Collection method: clinical testing. Allele origin: germline. Not counted in ClinVar's aggregate classification.